The following is an entry in ClinVar:

NM_206933.4(USH2A):c.4191T>A (p.Tyr1397Ter)

Genes: USH2A (usherin; minus strand), USH2A-AS1 (USH2A antisense RNA 1; plus strand). Cytogenetic location: 1q41.
Variant type: single nucleotide variant.
Coding change: c.4191T>A on transcript NM_206933.4 (MANE Select); coding-DNA position 4191, T replaced by A.
Protein change: p.Tyr1397Ter; replaces tyrosine 1397 with a stop codon.
Molecular consequence: nonsense.
Genome position (GRCh38, 1-based): chr1:216,196,613, A>T on the plus strand (T>A on the coding strand, the complement: USH2A is on the minus strand). VCF-style: chr1-216196613-A-T. GRCh37 (hg19) VCF-style: chr1-216369955-A-T.
Other names: c.4191T>A, p.Tyr1397Ter (NM_007123.6); short protein forms Y1397*.
Identifiers: ClinVar variation 4817119 (VCV004817119.1).

ClinVar aggregate classification (germline): Likely pathogenic (1 of 4 stars; one submission).

Conditions:
Usher syndrome type 2A. Also called: RETINAL DISEASE IN USHER SYNDROME TYPE IIA, MODIFIER OF; USHER SYNDROME, TYPE IIA. Identifiers: Orphanet 231178, Orphanet 886, MedGen C1848634, MONDO:0010169, OMIM 276901.

gnomAD v4.1: 1 of 1,613,528 alleles (0.000062%); highest among the groups gnomAD compares: Admixed American, 0.0017%; no homozygotes.

Submission:

Natera, Inc.
Classification: Likely pathogenic for Usher syndrome type 2A. Last evaluated: 2025-07-14. Review status: criteria provided, single submitter. Criteria: Natera Variant Classification Schema (03/2026). Collection method: clinical testing. Allele origin: germline.
Comment: The c.4191T>A variant in USH2A is a nonsense variant predicted to introduce a stop codon at amino acid 1397. This variant is expected to result in nonsense mediated decay, truncation, or a dysfunctional protein product. This variant is rare in the general population with a frequency below the threshold expected for the associated phenotype(s). Given the available evidence, this variant is classified as Likely Pathogenic.